The following is an entry in ClinVar:

NM_000238.4(KCNH2):c.2929T>C (p.Cys977Arg)

Gene: KCNH2 (potassium voltage-gated channel subfamily H member 2; minus strand). Cytogenetic location: 7q36.1.
Variant type: single nucleotide variant.
Coding change: c.2929T>C on transcript NM_000238.4 (MANE Select); coding-DNA position 2929, T replaced by C.
Protein change: p.Cys977Arg; replaces cysteine 977 with arginine.
Molecular consequence: missense variant. On other transcripts: non-coding transcript variant (2).
Genome position (GRCh38, 1-based): chr7:150,947,642, A>G on the plus strand (T>C on the coding strand, the complement: KCNH2 is on the minus strand). VCF-style: chr7-150947642-A-G. GRCh37 (hg19) VCF-style: chr7-150644730-A-G.
Other names: c.2641T>C, p.Cys881Arg (NM_001406753.1); c.1909T>C, p.Cys637Arg (NM_172057.3); short protein forms C637R, C977R, C881R.
Identifiers: ClinVar variation 4742576 (VCV004742576.1).
Genomic context (GRCh38, chr7:150,947,642, plus strand): 5'-TCGCCCGCCCGTCGCCCGGGATACCTGACAGGGGGTTGCAAGTGTCGCTGCTCTTCTCGC[A>G]GTCCTCCATCAGGGGCTCCCCACCCGGCGGCTCTCCGGGGGGCCTGGGGCTGGAGAAGGG-3'
Protein context (NP_000229.1, residues 967-987): PPGGEPLMED[Cys977Arg]EKSSDTCNPL

ClinVar aggregate classification (germline): Uncertain significance (1 of 4 stars; one submission).

Conditions:
Long QT syndrome (LQTS). Identifiers: MedGen C0023976, MeSH D008133, MONDO:0002442. Disease mechanism: loss of function. Inheritance: Various modes of inheritance.

gnomAD v4.1: 1 of 1,612,216 alleles (0.000062%); highest among the groups gnomAD compares: Non-Finnish European, 0.000085%; no homozygotes.

Submission:

Labcorp Genetics (formerly Invitae), Labcorp
Classification: Uncertain significance for Long QT syndrome. Last evaluated: 2025-06-25. Review status: criteria provided, single submitter. Criteria: Invitae Variant Classification Sherloc (09022015). Collection method: clinical testing. Allele origin: germline.
Comment: This sequence change replaces cysteine, which is neutral and slightly polar, with arginine, which is basic and polar, at codon 977 of the KCNH2 protein (p.Cys977Arg). This variant is not present in population databases (gnomAD no frequency). This variant has not been reported in the literature in individuals affected with KCNH2-related conditions. An algorithm developed to predict the effect of missense changes on protein structure and function (PolyPhen-2) suggests that this variant is likely to be tolerated. In summary, the available evidence is currently insufficient to determine the role of this variant in disease. Therefore, it has been classified as a Variant of Uncertain Significance.